The following is an entry in ClinVar:

ClinVar aggregate classification (germline): Uncertain significance (1 of 4 stars; one submission).

Submission:

Labcorp Genetics (formerly Invitae), Labcorp
Classification: Uncertain significance. Last evaluated: 2022-05-12. Review status: criteria provided, single submitter. Criteria: Invitae Variant Classification Sherloc (09022015). Collection method: clinical testing. Allele origin: germline.
Comment: In summary, the available evidence is currently insufficient to determine the role of this variant in disease. Therefore, it has been classified as a Variant of Uncertain Significance. Algorithms developed to predict the effect of missense changes on protein structure and function (SIFT, PolyPhen-2, Align-GVGD) all suggest that this variant is likely to be tolerated. This variant has not been reported in the literature in individuals affected with PLEKHM2-related conditions. This variant is not present in population databases (gnomAD no frequency). This sequence change replaces threonine, which is neutral and polar, with arginine, which is basic and polar, at codon 513 of the PLEKHM2 protein (p.Thr513Arg).

NM_015164.4(PLEKHM2):c.1538C>G (p.Thr513Arg)

Gene: PLEKHM2 (pleckstrin homology and RUN domain containing M2; plus strand). Cytogenetic location: 1p36.21.
Variant type: single nucleotide variant.
Coding change: c.1538C>G on transcript NM_015164.4 (MANE Select); coding-DNA position 1538, C replaced by G.
Protein change: p.Thr513Arg; replaces threonine 513 with arginine.
Molecular consequence: missense variant.
Genome position (GRCh38, 1-based): chr1:15,727,610, C>G. VCF-style: chr1-15727610-C-G. GRCh37 (hg19) VCF-style: chr1-16054105-C-G.
Other names: c.1478C>G, p.Thr493Arg (NM_001410755.1); short protein forms T513R, T493R.
Identifiers: ClinVar variation 1993534 (VCV001993534.4), dbSNP rs373517149, ClinGen allele CA338587634.